The following is an entry in ClinVar:

NM_000352.6(ABCC8):c.4516G>A (p.Glu1506Lys)

Gene: ABCC8 (ATP binding cassette subfamily C member 8; minus strand). Cytogenetic location: 11p15.1.
Variant type: single nucleotide variant.
Coding change: c.4516G>A on transcript NM_000352.6 (MANE Select); coding-DNA position 4516, G replaced by A.
Protein change: p.Glu1506Lys; replaces glutamic acid 1506 with lysine.
Molecular consequence: missense variant. On other transcripts: non-coding transcript variant (1).
Genome position (GRCh38, 1-based): chr11:17,394,295, C>T on the plus strand (G>A on the coding strand, the complement: ABCC8 is on the minus strand). VCF-style: chr11-17394295-C-T. GRCh37 (hg19) VCF-style: chr11-17415842-C-T.
Other names: c.4519G>A, p.Glu1507Lys (NM_001287174.3); c.4582G>A, p.Glu1528Lys (NM_001351295.2); c.4516G>A, p.Glu1506Lys (NM_001351296.2); c.4513G>A, p.Glu1505Lys (NM_001351297.2); short protein forms E1506K, E1507K, E1505K, E1528K.
Identifiers: ClinVar variation 9097 (VCV000009097.19), dbSNP rs137852671, ClinGen allele CA248483.

ClinVar aggregate classification (germline): Pathogenic. Review status: criteria provided, multiple submitters, no conflicts (2 of 4 stars). 10 submissions from 10 submitters: Pathogenic (6). 4 of the submissions do not count toward it. Last evaluated 2026-01-16.

Conditions:
ABCC8-related disorder.
Hyperinsulinemic hypoglycemia, familial, 1 (HHF1). Also called: HYPERINSULINISM, FAMILIAL, WITH PANCREATIC NESIDIOBLASTOSIS; HYPOGLYCEMIA, HYPERINSULINEMIC, OF INFANCY; Persistent Hyperinsulinemia Hypoglycemia of Infancy; Persistent hyperinsulinemic hypoglycemia of infancy; NESIDIOBLASTOSIS OF PANCREAS. Identifiers: Orphanet 276575, Orphanet 276598, MedGen C2931832, MONDO:0009734, OMIM 256450.

gnomAD v4.1: 1 of 1,613,974 alleles (0.000062%); highest among the groups gnomAD compares: Non-Finnish European, 0.000085%; no homozygotes.

Submissions (10):

3billion
Classification: Pathogenic for Hyperinsulinemic hypoglycemia, familial, 1. Last evaluated: 2026-01-16. Review status: criteria provided, single submitter. Criteria: ACMG Guidelines, 2015. Collection method: clinical testing. Allele origin: germline. Affected: yes.
Comment: The variant is observed at an extremely low frequency in the gnomAD v4.1.0 dataset (total allele frequency: <0.001%). Predicted Consequence/Location: Missense variant Functional studies provide moderate evidence of the variant having a damaging effect on the gene or gene product (PMID: 11018078). In silico tool predictions suggest damaging effect of the variant on gene or gene product [REVEL: 0.96 (>=0.6, sensitivity 0.68 and specificity 0.92); 3Cnet: 0.99 (> 0.75, sensitivity 0.96 and precision 0.92)]. The same nucleotide change resulting in the same amino acid change has been previously reported as pathogenic/likely pathogenic with strong evidence (ClinVar ID: VCV000009097 /PMID: 11018078). Different missense changes at the same codon (p.Glu1506Asp, p.Glu1506Gln, p.Glu1506Gly) have been reported to be associated with ABCC8-related disorder (ClinVar ID: VCV004537897 /PMID: 18025408, 21617188). Therefore, this variant is classified as Pathogenic according to the recommendation of ACMG/AMP guideline.

Labcorp Genetics (formerly Invitae), Labcorp
Classification: Pathogenic. Last evaluated: 2025-12-04. Review status: criteria provided, single submitter. Criteria: Invitae Variant Classification Sherloc (09022015). Collection method: clinical testing. Allele origin: germline.
Comment: This sequence change replaces glutamic acid, which is acidic and polar, with lysine, which is basic and polar, at codon 1506 of the ABCC8 protein (p.Glu1506Lys). This variant is not present in population databases (gnomAD no frequency). This missense change has been observed in individual(s) with autosomal dominant congenital hyperinsulinism (PMID: 11018078, 20042013, 20943781, 23506826, 32928245, 34992182). In at least one individual the variant was observed to be de novo. It has also been observed to segregate with disease in related individuals. This variant is also known as c.4519G>A (p.Glu1507Lys). ClinVar contains an entry for this variant (Variation ID: 9097). Invitae Evidence Modeling of protein sequence and biophysical properties (such as structural, functional, and spatial information, amino acid conservation, physicochemical variation, residue mobility, and thermodynamic stability) indicates that this missense variant is expected to disrupt ABCC8 protein function with a positive predictive value of 95%. Experimental studies have shown that this missense change affects ABCC8 function (PMID: 11018078, 21617188, 23903354). For these reasons, this variant has been classified as Pathogenic.

Blueprint Genetics
Classification: Pathogenic for ABCC8-related disorders. Last evaluated: 2024-03-25. Review status: criteria provided, single submitter. Criteria: ACMG Guidelines, 2015. Collection method: clinical testing. Allele origin: germline. Affected: yes. Observed: 1 variant allele.

GeneDx
Classification: Pathogenic. Last evaluated: 2023-06-05. Review status: criteria provided, single submitter. Criteria: GeneDx Variant Classification Process June 2021. Collection method: clinical testing. Allele origin: germline. Affected: yes.
Comment: Published functional studies demonstrate significantly lower ABCC8 protein levels in homozygous E1506K islets cells compared to wildtype, and homozygous mice exhibited enhanced insulin secretion and lower fasting blood glucose initially, but reduced insulin secretion and impaired glucose tolerance later in life (Shimomura et al., 2013); Not observed at significant frequency in large population cohorts (gnomAD); In silico analysis supports that this missense variant has a deleterious effect on protein structure/function; This variant is associated with the following publications: (PMID: 16380471, 20573158, 18596924, 18390792, 21617188, 12559865, 23266803, 25926814, 26504125, 12627323, 26246406, 29739729, 11018078, 20042013, 23903354, 32928245)

Institute of Human Genetics, University of Leipzig Medical Center
Classification: Pathogenic for Hyperinsulinemic hypoglycemia, familial, 1. Last evaluated: 2019-04-24. Review status: criteria provided, single submitter. Criteria: ACMG Guidelines, 2015. Collection method: clinical testing. Allele origin: germline. Affected: yes. Observed: 1 variant allele.

Athena Diagnostics
Classification: Pathogenic. Last evaluated: 2018-01-19. Review status: criteria provided, single submitter. Criteria: Athena Diagnostics Criteria. Collection method: clinical testing. Allele origin: germline.

Genetic Services Laboratory, University of Chicago
Classification: Pathogenic for Hyperinsulinemic hypoglycemia, familial, 1. Last evaluated: 2020-10-08. Review status: no assertion criteria provided. Collection method: clinical testing. Allele origin: germline. Affected: yes. Not counted in ClinVar's aggregate classification.
Comment: DNA sequence analysis of the ABCC8 gene demonstrated a sequence change, c.4516G>A, in exon 37 that results in an amino acid change, p.Glu1506Lys. The p.Glu1506Lys change affects a highly conserved amino acid residue located in a domain of the ABCC8 protein that is known to be functional. This sequence change is absent from the large population databases (ExAC and gnomAD). The p.Glu1506Lys substitution appears to be deleterious using several in-silico pathogenicity prediction tools (SIFT, PolyPhen2, Align GVGD, REVEL).This pathogenic sequence change has previously been described in the heterozygous state multiple families with hyperinsulinism, including in seven individuals from the same family with ABCC8-related hyperinsulinism (PMID: 11018078). In this family, the variant was maternally inherited in all cases. Out of the six transmitting females, two had a history of neonatal hypoglycemia and six had a history of permanent or gestational diabetes, suggesting that the p.Glu1506Lys variant is a dominantly inherited variant that is associated with hyperinsulinism in infancy and increased risk of insulin deficiency later in life (PMID: 11018078). All patients described in this publication were reported to have mild diazoxide responsive form of hyperinsulinism. The p.Glu1506Lys variant was also reported occurring in the de novo state in another family with persistent hypoglycemia in the newborn period and diabetes in adulthood (PMID: 20042013), and has been reported in the compound heterozygous state with a second ABCC8 variant in a patient with diazoxide unresponsive hyperinsulinism (PMID: 23266803). These collective evidences indicate that this sequence change is pathogenic.

Genomic Diagnostic Laboratory, Division of Genomic Diagnostics, Children's Hospital of Philadelphia
Classification: Pathogenic. Last evaluated: 2015-10-07. Review status: no assertion criteria provided. Collection method: clinical testing. Allele origin: germline. Observed: 1 variant allele. Not counted in ClinVar's aggregate classification.
Comment: Clinical Testing

OMIM
Classification: Pathogenic for HYPERINSULINEMIC HYPOGLYCEMIA, FAMILIAL, 1. Last evaluated: 2008-08-01. Review status: no assertion criteria provided. Collection method: literature only. Allele origin: germline. Not counted in ClinVar's aggregate classification.

Genomic Medicine Center of Excellence, King Faisal Specialist Hospital and Research Centre
Classification: Uncertain significance for Hyperinsulinemic hypoglycemia, familial, 1. Last evaluated: 2025-09-10. Review status: flagged submission. Criteria: ACMG Guidelines, 2015. Collection method: clinical testing. Allele origin: germline. Not counted in ClinVar's aggregate classification.
ClinVar note: Reason: Outlier claim with insufficient supporting evidence

Literature cited by the submitters: PubMed 18025408 (cited by 3billion); PubMed 11018078 (cited by 4 submitters); PubMed 20042013 (cited by Labcorp Genetics (formerly Invitae), Labcorp and Athena Diagnostics); PubMed 20943781 (cited by Labcorp Genetics (formerly Invitae), Labcorp and Athena Diagnostics); PubMed 23506826 (cited by Labcorp Genetics (formerly Invitae), Labcorp); PubMed 32928245 (cited by Labcorp Genetics (formerly Invitae), Labcorp); PubMed 34992182 (cited by Labcorp Genetics (formerly Invitae), Labcorp); PubMed 21617188 (cited by Labcorp Genetics (formerly Invitae), Labcorp and Athena Diagnostics); PubMed 23903354 (cited by Labcorp Genetics (formerly Invitae), Labcorp and Athena Diagnostics); PubMed 12559865 (cited by Athena Diagnostics and OMIM); PubMed 15561897 (cited by Athena Diagnostics); PubMed 12627323 (cited by Athena Diagnostics); PubMed 16416420 (cited by Athena Diagnostics); PubMed 16380471 (cited by Athena Diagnostics); PubMed 10685980 (cited by Athena Diagnostics); PubMed 17990484 (cited by Athena Diagnostics); PubMed 18390792 (cited by Athena Diagnostics); PubMed 12364426 (cited by Athena Diagnostics); PubMed 23266803 (cited by Athena Diagnostics); PubMed 18596924 (cited by Athena Diagnostics and OMIM).